The following is an entry in ClinVar:

ClinVar aggregate classification (germline): Likely pathogenic (1 of 4 stars; one submission).

Conditions:
VPS13B-related disorder. Also called: VPS13B-related condition.

Submission:

PreventionGenetics, part of Exact Sciences
Classification: Likely pathogenic for VPS13B-related condition. Last evaluated: 2024-10-19. Review status: criteria provided, single submitter. Criteria: ACMG Guidelines, 2015. Collection method: clinical testing. Allele origin: germline.
Comment: The VPS13B c.10134_10135dupCC variant is predicted to result in a frameshift and premature protein termination (p.His3379Profs*10). To our knowledge, this variant has not been reported in the literature or in a large population database (gnomAD), indicating this variant is rare. Frameshift variants in VPS13B are expected to be pathogenic. This variant is interpreted as likely pathogenic.

NM_152564.5(VPS13B):c.10134_10135dup (p.His3379fs)

Gene: VPS13B (vacuolar protein sorting 13 homolog B; plus strand). Cytogenetic location: 8q22.2.
Variant type: Duplication.
Coding change: c.10134_10135dup on transcript NM_152564.5 (MANE Select); coding-DNA positions 10134 to 10135, 2 bases duplicated (CC; older notation c.10134_10135dupCC).
Protein change: p.His3379fs; shifts the reading frame from histidine 3379.
Molecular consequence: frameshift variant.
Genome position (GRCh38, 1-based): chr8:99,853,523-99,853,524, CC duplicated; duplicating any 2 consecutive bases within chr8:99,853,522-99,853,524 gives the same sequence; the c. name uses the placement nearest the transcript's 3' end. VCF-style (leftmost placement, unchanged base first): chr8-99853521-A-ACC. GRCh37 (hg19) VCF-style: chr8-100865749-A-ACC.
Other names: c.10209_10210dup, p.His3404fs (NM_017890.5); c.10134_10135dupCC (NM_152564.4); short protein forms H3404fs, H3379fs.
Identifiers: ClinVar variation 4999182 (VCV004999182.1).
Genomic context (GRCh38, chr8:99,853,521, plus strand): 5'-AAGATTGTTACATTTAAAATGTTCATCACTCAGTTAAGCCTGGCAGTGTTTGATGACCTC[A>ACC]CCCACCACAAAGCATCAGCTGAGCTTCTGAGACTCACACTGGACAACATTTTTCTCTGTG-3'